The following is an entry in ClinVar:

NM_001792.5(CDH2):c.728A>C (p.Asn243Thr)

Gene: CDH2 (cadherin 2; minus strand). Cytogenetic location: 18q12.1.
Variant type: single nucleotide variant.
Coding change: c.728A>C on transcript NM_001792.5 (MANE Select); coding-DNA position 728, A replaced by C.
Protein change: p.Asn243Thr; replaces asparagine 243 with threonine.
Molecular consequence: missense variant.
Genome position (GRCh38, 1-based): chr18:28,005,968, T>G on the plus strand (A>C on the coding strand, the complement: CDH2 is on the minus strand). VCF-style: chr18-28005968-T-G. GRCh37 (hg19) VCF-style: chr18-25585932-T-G.
Other names: c.635A>C, p.Asn212Thr (NM_001308176.2); short protein forms N212T, N243T.
Identifiers: ClinVar variation 2572962 (VCV002572962.2), dbSNP rs1599027388, ClinGen allele CA402243322.

ClinVar aggregate classification (germline): Uncertain significance (1 of 4 stars; one submission).

Submission:

GeneDx
Classification: Uncertain significance. Last evaluated: 2024-10-01. Review status: criteria provided, single submitter. Criteria: GeneDx Variant Classification Process June 2021. Collection method: clinical testing. Allele origin: germline. Affected: yes.
Comment: Not observed at significant frequency in large population cohorts (gnomAD); In silico analysis supports that this missense variant has a deleterious effect on protein structure/function; Has not been previously published as pathogenic or benign to our knowledge